The following is an entry in ClinVar:

NM_138295.5(PKD1L1):c.6055-3C>T

Gene: PKD1L1 (polycystin 1 like 1, transient receptor potential channel interacting; minus strand). Cytogenetic location: 7p12.3.
Variant type: single nucleotide variant.
Coding change: c.6055-3C>T on transcript NM_138295.5 (MANE Select); 3 bases into the intron before coding-DNA position 6055, C replaced by T.
Molecular consequence: intron variant.
Genome position (GRCh38, 1-based): chr7:47,835,042, G>A on the plus strand (C>T on the coding strand, the complement: PKD1L1 is on the minus strand). VCF-style: chr7-47835042-G-A. GRCh37 (hg19) VCF-style: chr7-47874640-G-A.
Identifiers: ClinVar variation 4985592 (VCV004985592.1).

ClinVar aggregate classification (germline): Likely benign (1 of 4 stars; one submission).

Conditions:
PKD1L1-related disorder. Also called: PKD1L1-related condition.

gnomAD v4.1: 9 of 1,613,604 alleles (0.00056%); highest among the groups gnomAD compares: African/African-American, 0.004%; no homozygotes.

Submission:

PreventionGenetics, part of Exact Sciences
Classification: Likely benign for PKD1L1-related condition. Last evaluated: 2025-01-07. Review status: criteria provided, single submitter. Criteria: ACMG Guidelines, 2015. Collection method: clinical testing. Allele origin: germline.
Comment: This variant is classified as likely benign based on ACMG/AMP sequence variant interpretation guidelines (Richards et al. 2015 PMID: 25741868, with internal and published modifications).